The following is an entry in ClinVar:

ClinVar aggregate classification (germline): Benign. Review status: criteria provided, multiple submitters, no conflicts (2 of 4 stars). 6 submissions from 6 submitters: Benign (4). 2 of the submissions do not count toward it. Last evaluated 2021-07-10.

Conditions:
Acute infantile liver failure due to synthesis defect of mtDNA-encoded proteins. Also called: TRMU Deficiency; Liver failure acute infantile; LIVER FAILURE, INFANTILE, TRANSIENT. Identifiers: Orphanet 217371, MedGen C3278664, MONDO:0013111, OMIM 613070.

Allele frequency attached by ClinVar (database versions not stated): 1000 Genomes Project 0.01118; gnomAD 0.01763 and 0.01809; TOPMed 0.01822; gnomAD exomes 0.02455 and 0.02048; 1000 Genomes Project 30x 0.01109; ExAC 0.02147; ESP Exome Variant Server 0.02314.

Submissions (6):

Genome-Nilou Lab
Classification: Benign for Acute infantile liver failure due to synthesis defect of mtDNA-encoded proteins. Last evaluated: 2021-07-10. Review status: criteria provided, single submitter. Criteria: ACMG Guidelines, 2015. Collection method: clinical testing. Allele origin: germline. Affected: no.

Illumina Laboratory Services, Illumina
Classification: Benign for Acute infantile liver failure due to synthesis defect of mtDNA-encoded proteins. Last evaluated: 2018-01-13. Review status: criteria provided, single submitter. Criteria: ICSL Variant Classification Criteria 13 December 2019. Collection method: clinical testing. Allele origin: germline.
Comment: This variant was observed in the ICSL laboratory as part of a predisposition screen in an ostensibly healthy population. It had not been previously curated by ICSL or reported in the Human Gene Mutation Database (HGMD: prior to June 1st, 2018), and was therefore a candidate for classification through an automated scoring system. Utilizing variant allele frequency, disease prevalence and penetrance estimates, and inheritance mode, an automated score was calculated to assess if this variant is too frequent to cause the disease. Based on the score and internal cut-off values, a variant classified as benign is not then subjected to further curation. The score for this variant resulted in a classification of benign for this disease.

GeneDx
Classification: Benign. Last evaluated: 2012-04-18. Review status: criteria provided, single submitter. Criteria: GeneDx Variant Classification (06012015). Collection method: clinical testing. Allele origin: germline. Affected: yes.
Comment: This variant is considered likely benign or benign based on one or more of the following criteria: it is a conservative change, it occurs at a poorly conserved position in the protein, it is predicted to be benign by multiple in silico algorithms, and/or has population frequency not consistent with disease.

Breakthrough Genomics
Classification: Benign. Review status: criteria provided, single submitter. Criteria: ACMG Guidelines, 2015. Collection method: not provided. Allele origin: germline. Inheritance: Unknown mechanism. Affected: yes.

Natera, Inc.
Classification: Benign for Transient infantile liver failure. Last evaluated: 2020-09-16. Review status: no assertion criteria provided. Collection method: clinical testing. Allele origin: germline. Not counted in ClinVar's aggregate classification.

Mayo Clinic Laboratories, Mayo Clinic
Classification: Benign. Last evaluated: 2016-02-26. Review status: no assertion criteria provided. Collection method: clinical testing. Allele origin: unknown. Not counted in ClinVar's aggregate classification.

NM_018006.5(TRMU):c.*8G>C

Gene: TRMU (tRNA mitochondrial 2-thiouridylase; plus strand). Cytogenetic location: 22q13.31.
Variant type: single nucleotide variant.
Coding change: c.*8G>C on transcript NM_018006.5 (MANE Select); 8 bases downstream of the stop codon, G replaced by C.
Molecular consequence: 3 prime UTR variant. On other transcripts: non-coding transcript variant (2).
Genome position (GRCh38, 1-based): chr22:46,357,014, G>C. VCF-style: chr22-46357014-G-C. GRCh37 (hg19) VCF-style: chr22-46752911-G-C.
Other names: c.*8G>C (NM_001282782.2, NM_001282783.2); c.*60G>C (NM_001282784.2, NM_001282785.2).
Identifiers: ClinVar variation 137717 (VCV000137717.15), dbSNP rs55905826, ClinGen allele CA291386.